The following is an entry in ClinVar:

NM_199420.4(POLQ):c.7027T>C (p.Ser2343Pro)

Gene: POLQ (DNA polymerase theta; minus strand). Cytogenetic location: 3q13.33.
Variant type: single nucleotide variant.
Coding change: c.7027T>C on transcript NM_199420.4 (MANE Select); coding-DNA position 7027, T replaced by C.
Protein change: p.Ser2343Pro; replaces serine 2343 with proline.
Molecular consequence: missense variant.
Genome position (GRCh38, 1-based): chr3:121,460,175, A>G on the plus strand (T>C on the coding strand, the complement: POLQ is on the minus strand). VCF-style: chr3-121460175-A-G. GRCh37 (hg19) VCF-style: chr3-121179022-A-G.
Other names: short protein forms S2343P.
Identifiers: ClinVar variation 3230133 (VCV003230133.1), dbSNP rs2047780381, ClinGen allele CA354107510.
Genomic context (GRCh38, chr3:121,460,175, plus strand): 5'-CAATGCTCCTGAAAACATCAGCTCCAGTGTTTAACACTTGAATGAGACGACGATCATGGG[A>G]TAAATGAGCCAAGATCCTCAGTTCAAGCTGAGAGTAGTCAGCAGCCAGTATTGAACCACC-3'
Protein context (NP_955452.3, residues 2333-2353): QLELRILAHL[Ser2343Pro]HDRRLIQVLN

ClinVar aggregate classification (germline): Uncertain significance (1 of 4 stars; one submission).

Submission:

Ambry Genetics
Classification: Uncertain significance. Last evaluated: 2023-11-10. Review status: criteria provided, single submitter. Criteria: Ambry Variant Classification Scheme 2023. Collection method: clinical testing. Allele origin: germline.
Comment: The p.S2343P variant (also known as c.7027T>C), located in coding exon 25 of the POLQ gene, results from a T to C substitution at nucleotide position 7027. The serine at codon 2343 is replaced by proline, an amino acid with similar properties. This amino acid position is conserved. In addition, this alteration is predicted to be deleterious by in silico analysis. Since supporting evidence is limited at this time, the clinical significance of this alteration remains unclear.